The following is an entry in ClinVar:

ClinVar aggregate classification (germline): Uncertain significance. Review status: criteria provided, multiple submitters, no conflicts (2 of 4 stars). 2 submissions from 2 submitters: Uncertain significance (2). Last evaluated 2024-04-15.

Conditions:
Autoimmune lymphoproliferative syndrome type 1. Also called: AUTOIMMUNE LYMPHOPROLIFERATIVE SYNDROME, TYPE I, AUTOSOMAL DOMINANT. Identifiers: Orphanet 3261, MedGen C2717884, MONDO:0011158, OMIM 601859.

Allele frequency attached by ClinVar (database versions not stated): gnomAD 0.00001; gnomAD exomes 0.00001; TOPMed 0.00001; ExAC 0.00002.
gnomAD v4.1: 16 of 1,613,886 alleles (0.00099%); highest among the groups gnomAD compares: South Asian, 0.0022%; no homozygotes.

Submissions (2):

Blueprint Genetics
Classification: Uncertain significance. Last evaluated: 2024-04-15. Review status: criteria provided, single submitter. Criteria: ACMG Guidelines, 2015. Collection method: clinical testing. Allele origin: germline.

Labcorp Genetics (formerly Invitae), Labcorp
Classification: Uncertain significance for Autoimmune lymphoproliferative syndrome. Last evaluated: 2022-04-09. Review status: criteria provided, single submitter. Criteria: Invitae Variant Classification Sherloc (09022015). Collection method: clinical testing. Allele origin: germline.
Comment: This sequence change replaces arginine, which is basic and polar, with histidine, which is basic and polar, at codon 279 of the FAS protein (p.Arg279His). This variant is present in population databases (rs563211901, gnomAD 0.004%). This variant has not been reported in the literature in individuals affected with FAS-related conditions. Algorithms developed to predict the effect of missense changes on protein structure and function are either unavailable or do not agree on the potential impact of this missense change (SIFT: "Not Available"; PolyPhen-2: "Possibly Damaging"; Align-GVGD: "Not Available"). In summary, the available evidence is currently insufficient to determine the role of this variant in disease. Therefore, it has been classified as a Variant of Uncertain Significance.

NM_000043.6(FAS):c.836G>A (p.Arg279His)

Gene: FAS (Fas cell surface death receptor; plus strand). Cytogenetic location: 10q23.31.
Variant type: single nucleotide variant.
Coding change: c.836G>A on transcript NM_000043.6 (MANE Select); coding-DNA position 836, G replaced by A.
Protein change: p.Arg279His; replaces arginine 279 with histidine.
Molecular consequence: missense variant. On other transcripts: 3 prime UTR variant (2), non-coding transcript variant (7).
Genome position (GRCh38, 1-based): chr10:89,014,278, G>A. VCF-style: chr10-89014278-G-A. GRCh37 (hg19) VCF-style: chr10-90774035-G-A.
Other names: c.*159G>A (NM_001320619.2); c.881G>A, p.Arg294His (NM_001410956.1); c.773G>A, p.Arg258His (NM_152871.4); c.*148G>A (NM_152872.4); short protein forms R258H, R279H, R294H.
Identifiers: ClinVar variation 2191585 (VCV002191585.5), dbSNP rs563211901, ClinGen allele CA5593224.